The following is an entry in ClinVar:

NM_003052.5(SLC34A1):c.58G>T (p.Gly20Trp)

Gene: SLC34A1 (solute carrier family 34 member 1; plus strand). Cytogenetic location: 5q35.3.
Variant type: single nucleotide variant.
Coding change: c.58G>T on transcript NM_003052.5 (MANE Select); coding-DNA position 58, G replaced by T.
Protein change: p.Gly20Trp; replaces glycine 20 with tryptophan.
Molecular consequence: missense variant.
Genome position (GRCh38, 1-based): chr5:177,385,799, G>T. VCF-style: chr5-177385799-G-T. GRCh37 (hg19) VCF-style: chr5-176812800-G-T.
Other names: c.58G>T, p.Gly20Trp (NM_001167579.2); short protein forms G20W.
Identifiers: ClinVar variation 3592093 (VCV003592093.3).

ClinVar aggregate classification (germline): Uncertain significance. Review status: criteria provided, multiple submitters, no conflicts (2 of 4 stars). 2 submissions from 2 submitters: Uncertain significance (2). Last evaluated 2024-06-11.

Conditions:
Hypophosphatemic nephrolithiasis/osteoporosis 1. Identifiers: Orphanet 244305, MedGen C2676786, MONDO:0012850, OMIM 612286.
Fanconi renotubular syndrome 2 (FRTS2). Identifiers: MedGen C3150652, MONDO:0013247, OMIM 613388.
Hypercalcemia, infantile, 2 (HCINF2). Identifiers: Orphanet 300547, MedGen C4310473, MONDO:0014851, OMIM 616963.

gnomAD v4.1: 48 of 1,613,182 alleles (0.003%); highest among the groups gnomAD compares: South Asian, 0.053%; 1 homozygote.

Submissions (2):

Labcorp Genetics (formerly Invitae), Labcorp
Classification: Uncertain significance. Last evaluated: 2024-06-11. Review status: criteria provided, single submitter. Criteria: Invitae Variant Classification Sherloc (09022015). Collection method: clinical testing. Allele origin: germline.
Comment: This sequence change replaces glycine, which is neutral and non-polar, with tryptophan, which is neutral and slightly polar, at codon 20 of the SLC34A1 protein (p.Gly20Trp). This variant is present in population databases (rs750811671, gnomAD 0.08%), including at least one homozygous and/or hemizygous individual. This variant has not been reported in the literature in individuals affected with SLC34A1-related conditions. An algorithm developed to predict the effect of missense changes on protein structure and function (PolyPhen-2) suggests that this variant is likely to be disruptive. In summary, the available evidence is currently insufficient to determine the role of this variant in disease. Therefore, it has been classified as a Variant of Uncertain Significance.

Fulgent Genetics
Classification: Uncertain significance for Hypophosphatemic nephrolithiasis/osteoporosis 1; Fanconi renotubular syndrome 2; Hypercalcemia, infantile, 2. Last evaluated: 2024-03-26. Review status: criteria provided, single submitter. Criteria: ACMG Guidelines, 2015. Collection method: clinical testing. Allele origin: germline.